The following is an entry in ClinVar:

NM_017841.4(SDHAF2):c.37-2A>G

Gene: SDHAF2 (succinate dehydrogenase complex assembly factor 2; plus strand). Cytogenetic location: 11q12.2.
Variant type: single nucleotide variant.
Coding change: c.37-2A>G on transcript NM_017841.4 (MANE Select); the canonical splice acceptor site of the intron before coding-DNA position 37, A replaced by G.
Molecular consequence: splice acceptor variant.
Genome position (GRCh38, 1-based): chr11:61,437,623, A>G. VCF-style: chr11-61437623-A-G. GRCh37 (hg19) VCF-style: chr11-61205095-A-G.
Identifiers: ClinVar variation 1068054 (VCV001068054.14), dbSNP rs1344681005, ClinGen allele CA380682703.
Genomic context (GRCh38, chr11:61,437,623, plus strand): 5'-AGTAAATGATAGCGATGATAGTCGTCATTATTGTAAAGATGTTTGTGGTTTGTTCATTTC[A>G]GATGCTTGCTCTGTCAAGGCACAGCCTATTGTCTCCTTTGCTCAGTGTGACATCATTCAG-3'

ClinVar aggregate classification (germline): Pathogenic/Likely pathogenic. Review status: criteria provided, multiple submitters, no conflicts (2 of 4 stars). 4 submissions from 4 submitters: Pathogenic (1); Likely pathogenic (3). Last evaluated 2026-09-25.

Conditions:
Hereditary cancer-predisposing syndrome. Also called: Tumor predisposition; Hereditary Cancer Syndrome; Hereditary neoplastic syndrome; Neoplastic Syndromes, Hereditary. Identifiers: Orphanet 140162, MedGen C0027672, MeSH D009386, MONDO:0015356.
Hereditary pheochromocytoma and paraganglioma. Also called: Hereditary paragangliomas and pheochromocytomas; Hereditary Paraganglioma-Pheochromocytoma Syndromes; Hereditary pheochromocytoma-paraganglioma. Identifiers: Orphanet 29072, MedGen C4274332, MONDO:0017366.
SDHAF2-related disorder. Also called: SDHAF2-related condition.

Allele frequency attached by ClinVar (database versions not stated): TOPMed below 0.00001; gnomAD 0.00001.
gnomAD v4.1: 1 of 1,612,298 alleles (0.000062%); highest among the groups gnomAD compares: African/African-American, 0.0013%; no homozygotes.

Submissions (4):

PreventionGenetics, part of Exact Sciences
Classification: Likely pathogenic for SDHAF2-related condition. Last evaluated: 2026-09-25. Review status: criteria provided, single submitter. Criteria: ACMG Guidelines, 2015. Collection method: clinical testing. Allele origin: germline.
Comment: The SDHAF2 c.37-2A>G variant is predicted to disrupt the AG splice acceptor site and interfere with normal splicing. To our knowledge, this variant has not been reported in the literature or in a large population database, indicating this variant is rare. Variants that disrupt the consensus splice acceptor site in SDHAF2 are expected to be pathogenic. This variant is interpreted as likely pathogenic.

GeneDx
Classification: Likely pathogenic. Last evaluated: 2026-08-04. Review status: criteria provided, single submitter. Criteria: GeneDx Variant Classification Process June 2021. Collection method: clinical testing. Allele origin: germline.
Comment: Canonical splice site variant predicted to result in a null allele in a gene for which loss of function is a known mechanism of disease; Not observed at significant frequency in large population cohorts (gnomAD); Has not been previously published as pathogenic or benign to our knowledge

Ambry Genetics
Classification: Likely pathogenic for Hereditary cancer-predisposing syndrome. Last evaluated: 2026-07-31. Review status: criteria provided, single submitter. Criteria: Ambry Variant Classification Scheme 2023. Collection method: clinical testing. Allele origin: germline.
Comment: The c.37-2A>G intronic variant consists of a A to G substitution two nucleotide(s) before exon 1 (coding exon 1) of the SDHAF2 gene. Variants that disrupt the canonical splice site are expected to cause aberrant splicing, resulting in an abnormal protein or a transcript that is subject to nonsense-mediated mRNA decay. This variant was not reported in population-based cohorts in the Genome Aggregation Database (gnomAD). This nucleotide position is highly conserved in available vertebrate species. RNA studies have demonstrated that this alteration results in abnormal splicing in the set of samples tested (Ambry internal data). In silico splice site analysis predicts that this alteration will weaken the native splice acceptor site. Based on the available evidence, this alteration is classified as likely pathogenic.

Labcorp Genetics (formerly Invitae), Labcorp
Classification: Pathogenic for Hereditary pheochromocytoma and paraganglioma. Last evaluated: 2025-09-12. Review status: criteria provided, single submitter. Criteria: Invitae Variant Classification Sherloc (09022015). Collection method: clinical testing. Allele origin: germline.
Comment: This sequence change affects an acceptor splice site in intron 1 of the SDHAF2 gene. RNA analysis indicates that disruption of this splice site induces altered splicing and may result in an absent or altered protein product. This variant is present in population databases (no rsID available, gnomAD 0.01%). This variant has not been reported in the literature in individuals affected with SDHAF2-related conditions. ClinVar contains an entry for this variant (Variation ID: 1068054). Studies have shown that disruption of this splice site results in skipping of exons 2-3 and skipping of exon 2, and produces a non-functional protein and/or introduces a premature termination codon (internal data). For these reasons, this variant has been classified as Pathogenic.